The following is an entry in ClinVar:

NM_000097.7(CPOX):c.257T>C (p.Val86Ala)

Genes: CPOX (coproporphyrinogen oxidase; minus strand), LOC129937121 (ATAC-STARR-seq lymphoblastoid silent region 14560; plus strand). Cytogenetic location: 3q11.2.
Variant type: single nucleotide variant.
Coding change: c.257T>C on transcript NM_000097.7 (MANE Select); coding-DNA position 257, T replaced by C.
Protein change: p.Val86Ala; replaces valine 86 with alanine.
Molecular consequence: missense variant.
Genome position (GRCh38, 1-based): chr3:98,593,248, A>G on the plus strand (T>C on the coding strand, the complement: CPOX is on the minus strand). VCF-style: chr3-98593248-A-G. GRCh37 (hg19) VCF-style: chr3-98312092-A-G.
Other names: c.257T>C (NM_000097.5); short protein forms V86A.
Identifiers: ClinVar variation 1520684 (VCV001520684.10), dbSNP rs770754663, ClinGen allele CA2511745.

ClinVar aggregate classification (germline): Conflicting classifications of pathogenicity. Review status: criteria provided, conflicting classifications (1 of 4 stars). 4 submissions from 4 submitters: Uncertain significance (3); Likely benign (1). Last evaluated 2025-09-22.

Conditions:
Inborn genetic diseases. Identifiers: MedGen C0950123, MeSH D030342.
CPOX-related disorder. Also called: CPOX-related disorders; CPOX-related condition.

Allele frequency attached by ClinVar (database versions not stated): TOPMed 0.00009; gnomAD 0.00015 and 0.00016; gnomAD exomes 0.00019; ExAC 0.00059.
gnomAD v4.1: 277 of 1,525,544 alleles (0.018%); highest among the groups gnomAD compares: Non-Finnish European, 0.021%; no homozygotes.

Submissions (4):

PreventionGenetics, part of Exact Sciences
Classification: Uncertain significance for CPOX-related condition. Last evaluated: 2025-09-22. Review status: criteria provided, single submitter. Criteria: ACMG Guidelines, 2015. Collection method: clinical testing. Allele origin: germline.
Comment: The CPOX c.257T>C variant is predicted to result in the amino acid substitution p.Val86Ala. To our knowledge, this variant has not been reported in the literature. This variant is reported in 0.037% of alleles in individuals of European (Non-Finnish) descent in gnomAD. Although we suspect that this variant may be benign, at this time, the clinical significance of this variant is uncertain due to the absence of conclusive functional and genetic evidence.

Labcorp Genetics (formerly Invitae), Labcorp
Classification: Uncertain significance. Last evaluated: 2025-05-01. Review status: criteria provided, single submitter. Criteria: Invitae Variant Classification Sherloc (09022015). Collection method: clinical testing. Allele origin: germline.
Comment: This sequence change replaces valine, which is neutral and non-polar, with alanine, which is neutral and non-polar, at codon 86 of the CPOX protein (p.Val86Ala). This variant is present in population databases (rs770754663, gnomAD 0.04%). This missense change has been observed in individual(s) with CPOX-related conditions (internal data). ClinVar contains an entry for this variant (Variation ID: 1520684). An algorithm developed to predict the effect of missense changes on protein structure and function outputs the following: PolyPhen-2: "Benign". The alanine amino acid residue is found in multiple mammalian species, which suggests that this missense change does not adversely affect protein function. In summary, the available evidence is currently insufficient to determine the role of this variant in disease. Therefore, it has been classified as a Variant of Uncertain Significance.

Ambry Genetics
Classification: Likely benign for Inborn genetic diseases. Last evaluated: 2022-06-06. Review status: criteria provided, single submitter. Criteria: Ambry Variant Classification Scheme 2023. Collection method: clinical testing. Allele origin: germline.

Revvity Omics, Revvity
Classification: Uncertain significance. Last evaluated: 2019-05-28. Review status: criteria provided, single submitter. Criteria: ACMG Guidelines, 2015. Collection method: clinical testing. Allele origin: germline.